The following is an entry in ClinVar:

ClinVar aggregate classification (germline): Conflicting classifications of pathogenicity. Review status: criteria provided, conflicting classifications (1 of 4 stars). 3 submissions from 3 submitters: Uncertain significance (2); Likely benign (1). Last evaluated 2025-07-14.

Conditions:
Hereditary cancer-predisposing syndrome. Also called: Hereditary neoplastic syndrome; Neoplastic Syndromes, Hereditary; Hereditary Cancer Syndrome; Tumor predisposition. Identifiers: Orphanet 140162, MedGen C0027672, MeSH D009386, MONDO:0015356.
Hereditary breast ovarian cancer syndrome. Also called: BRCA1- and BRCA2-Associated Hereditary Breast and Ovarian Cancer; Hereditary breast and ovarian cancer syndrome (HBOC); Hereditary breast and/or ovarian cancer syndrome; Hereditary breast and ovarian cancer syndrome; Hereditary breast and ovarian cancer; Breast and ovarian cancer. Identifiers: Orphanet 145, MedGen C0677776, MeSH D061325, MONDO:0003582. Disease mechanism: loss of function.

Submissions (3):

Ambry Genetics
Classification: Uncertain significance for Hereditary cancer-predisposing syndrome. Last evaluated: 2025-07-14. Review status: criteria provided, single submitter. Criteria: Ambry Variant Classification Scheme 2023. Collection method: clinical testing. Allele origin: germline.
Comment: The p.N247K variant (also known as c.741C>A), located in coding exon 9 of the BRCA1 gene, results from a C to A substitution at nucleotide position 741. The asparagine at codon 247 is replaced by lysine, an amino acid with similar properties. This amino acid position is conserved. In addition, the in silico prediction for this alteration is inconclusive. Based on the available evidence, the clinical significance of this variant remains unclear.

University of Washington Department of Laboratory Medicine, University of Washington
Classification: Likely benign for Hereditary cancer-predisposing syndrome. Last evaluated: 2023-03-23. Review status: criteria provided, single submitter. Criteria: Dines et al. (Genet Med. 2020). Collection method: curation. Allele origin: germline.
Comment: Missense variant in a coldspot region where missense variants are very unlikely to be pathogenic (PMID:31911673).

BRCA1 coldspot (exon 11 using historical exon numbering). Reclassification based on statistical prior probability

Labcorp Genetics (formerly Invitae), Labcorp
Classification: Uncertain significance for Hereditary breast ovarian cancer syndrome. Last evaluated: 2022-10-16. Review status: criteria provided, single submitter. Criteria: Invitae Variant Classification Sherloc (09022015). Collection method: clinical testing. Allele origin: germline.
Comment: In summary, the available evidence is currently insufficient to determine the role of this variant in disease. Therefore, it has been classified as a Variant of Uncertain Significance. Advanced modeling of protein sequence and biophysical properties (such as structural, functional, and spatial information, amino acid conservation, physicochemical variation, residue mobility, and thermodynamic stability) performed at Invitae indicates that this missense variant is not expected to disrupt BRCA1 protein function. This variant has not been reported in the literature in individuals affected with BRCA1-related conditions. This variant is not present in population databases (gnomAD no frequency). This sequence change replaces asparagine, which is neutral and polar, with lysine, which is basic and polar, at codon 247 of the BRCA1 protein (p.Asn247Lys).

NM_007294.4(BRCA1):c.741C>A (p.Asn247Lys)

Gene: BRCA1 (BRCA1 DNA repair associated; minus strand). Cytogenetic location: 17q21.31.
Variant type: single nucleotide variant.
Coding change: c.741C>A on transcript NM_007294.4 (MANE Select); coding-DNA position 741, C replaced by A.
Protein change: p.Asn247Lys; replaces asparagine 247 with lysine.
Molecular consequence: missense variant. On other transcripts: non-coding transcript variant (1).
Genome position (GRCh38, 1-based): chr17:43,094,790, G>T on the plus strand (C>A on the coding strand, the complement: BRCA1 is on the minus strand). VCF-style: chr17-43094790-G-T. GRCh37 (hg19) VCF-style: chr17-41246807-G-T.
Other names: c.531C>A, p.Asn177Lys (NM_001408485.1, NM_001408489.1, NM_001408492.1 and 25 more transcripts); c.528C>A, p.Asn176Lys (NM_001408490.1, NM_001408491.1, NM_001408493.1 and 12 more transcripts); c.474C>A, p.Asn158Lys (NM_001408504.1, NM_001408505.1, NM_001408503.1 and 5 more transcripts); c.477C>A, p.Asn159Lys (NM_001408496.1, NM_001408497.1, NM_001408501.1 and 15 more transcripts); c.405C>A, p.Asn135Lys (NM_001408508.1, NM_001408509.1, NM_001407954.1 and 3 more transcripts); c.408C>A, p.Asn136Lys (NM_001408502.1, NM_001407946.1, NM_001407947.1 and 7 more transcripts); c.741C>A, p.Asn247Lys (NM_001407581.1, NM_001407582.1, NM_001407583.1 and 54 more transcripts); c.738C>A, p.Asn246Lys (NM_001407587.1, NM_001407590.1, NM_001407591.1 and 38 more transcripts); and 14 more; short protein forms N119K, N120K, N135K, N136K, N158K, N159K, N176K, N177K.
Identifiers: ClinVar variation 1721749 (VCV001721749.9), dbSNP rs1597880263, ClinGen allele CA10600601.
Genomic context (GRCh38, chr17:43,094,790, plus strand): 5'-TGAAACAGAACTACCCTGATACTTTTCTGGATGCCTCTCAGCTGCACGCTTCTCAGTGGT[G>T]TTCAAATCATTATTACTGGGTTGATGATGTTCAGTATTTGTTACATCCGTCTCAGAAAAT-3'
Protein context (NP_009225.1, residues 237-257): EHHQPSNNDL[Asn247Lys]TTEKRAAERH